The following is an entry in ClinVar:

ClinVar aggregate classification (germline): Uncertain significance. Review status: criteria provided, multiple submitters, no conflicts (2 of 4 stars). 2 submissions from 2 submitters: Uncertain significance (2). Last evaluated 2024-03-19.

Conditions:
Hereditary cancer-predisposing syndrome. Also called: Hereditary Cancer Syndrome; Tumor predisposition; Hereditary neoplastic syndrome; Neoplastic Syndromes, Hereditary. Identifiers: Orphanet 140162, MedGen C0027672, MeSH D009386, MONDO:0015356.
Familial melanoma. Also called: Hereditary melanoma; Hereditary cutaneous melanoma. Identifiers: Orphanet 618, MedGen C1512419, MONDO:0018961.

Allele frequency attached by ClinVar (database versions not stated): gnomAD exomes below 0.00001; TOPMed below 0.00001.
gnomAD v4.1: 2 of 1,604,242 alleles (0.00012%); highest among the groups gnomAD compares: Non-Finnish European, 0.00017%; no homozygotes.

Submissions (2):

Ambry Genetics
Classification: Uncertain significance for Hereditary cancer-predisposing syndrome. Last evaluated: 2024-03-19. Review status: criteria provided, single submitter. Criteria: Ambry Variant Classification Scheme 2023. Collection method: clinical testing. Allele origin: germline.
Comment: The p.V82M variant (also known as c.244G>A), located in coding exon 2 of the CDKN2A gene, results from a G to A substitution at nucleotide position 244. The valine at codon 82 is replaced by methionine, an amino acid with highly similar properties. This amino acid position is not well conserved in available vertebrate species. In addition, this alteration is predicted to be deleterious by in silico analysis. Based on the available evidence, the clinical significance of this alteration remains unclear.

Labcorp Genetics (formerly Invitae), Labcorp
Classification: Uncertain significance for Familial melanoma. Last evaluated: 2023-12-08. Review status: criteria provided, single submitter. Criteria: Invitae Variant Classification Sherloc (09022015). Collection method: clinical testing. Allele origin: germline.
Comment: The CDKN2A gene encodes two different proteins, p16INK4a and p14ARF, which are translated from alternative transcripts with different open reading frames. Both transcripts have been analyzed. We report either the variant with the higher classification or default to the CDKN2A (p16INK4a) variant. This report therefore includes the details for the CDKN2A (p16INK4a) variant. This sequence change replaces valine, which is neutral and non-polar, with methionine, which is neutral and non-polar, at codon 82 of the CDKN2A (p16INK4a) protein (p.Val82Met). The frequency data for this variant in the population databases is considered unreliable, as metrics indicate poor data quality at this position in the gnomAD database. This variant has not been reported in the literature in individuals affected with CDKN2A (p16INK4a)-related conditions. This variant is also known as c.287G>A (p.Arg96His) in the CDKN2A (p14ARF) transcript. ClinVar contains an entry for this variant (Variation ID: 1063226). An algorithm developed to predict the effect of missense changes on protein structure and function (PolyPhen-2) suggests that this variant is likely to be disruptive. In summary, the available evidence is currently insufficient to determine the role of this variant in disease. Therefore, it has been classified as a Variant of Uncertain Significance.

NM_000077.5(CDKN2A):c.244G>A (p.Val82Met)

Gene: CDKN2A (cyclin dependent kinase inhibitor 2A; minus strand). Cytogenetic location: 9p21.3.
Variant type: single nucleotide variant.
Coding change: c.244G>A on transcript NM_000077.5; coding-DNA position 244, G replaced by A.
Protein change: p.Val82Met; replaces valine 82 with methionine.
Molecular consequence: missense variant (on NM_058195.4). On other transcripts: 3 prime UTR variant (1).
Genome position (GRCh38, 1-based): chr9:21,971,115, C>T on the plus strand (G>A on the coding strand, the complement: CDKN2A is on the minus strand). VCF-style: chr9-21971115-C-T. GRCh37 (hg19) VCF-style: chr9-21971114-C-T.
Other names: c.287G>A, p.Arg96His (NM_058195.4); c.*167G>A (NM_058197.5); c.244G>A, p.Val82Met (NM_000077.6, NM_001195132.2); c.91G>A, p.Val31Met (NM_001363763.2); short protein forms R96H, V31M, V82M.
Identifiers: ClinVar variation 1063226 (VCV001063226.10), dbSNP rs1060501269, ClinGen allele CA373086242.